The following is an entry in ClinVar:

NM_022114.4(PRDM16):c.2011C>A (p.Gln671Lys)

Gene: PRDM16 (PR/SET domain 16; plus strand). Cytogenetic location: 1p36.32.
Variant type: single nucleotide variant.
Coding change: c.2011C>A on transcript NM_022114.4 (MANE Select); coding-DNA position 2011, C replaced by A.
Protein change: p.Gln671Lys; replaces glutamine 671 with lysine.
Molecular consequence: missense variant.
Genome position (GRCh38, 1-based): chr1:3,412,208, C>A. VCF-style: chr1-3412208-C-A. GRCh37 (hg19) VCF-style: chr1-3328772-C-A.
Other names: c.2011C>A, p.Gln671Lys (NM_199454.3); short protein forms Q671K.
Identifiers: ClinVar variation 2638094 (VCV002638094.24), dbSNP rs2523885335, ClinGen allele CA337999491.

ClinVar aggregate classification (germline): Uncertain significance (1 of 4 stars; one submission).

Submission:

CeGaT Center for Human Genetics Tuebingen
Classification: Uncertain significance. Last evaluated: 2022-06-01. Review status: criteria provided, single submitter. Criteria: CeGaT Center For Human Genetics Tuebingen Variant Classification Criteria Version 2. Collection method: clinical testing. Allele origin: germline. Affected: yes. Observed: 1 variant allele.
Comment: PRDM16: PM2